The following is an entry in ClinVar:

ClinVar aggregate classification (germline): Conflicting classifications of pathogenicity. Review status: criteria provided, conflicting classifications (1 of 4 stars). 3 submissions from 3 submitters: Uncertain significance (1); Likely benign (2). Last evaluated 2025-11-10.

Conditions:
Hereditary cancer-predisposing syndrome. Also called: Tumor predisposition; Neoplastic Syndromes, Hereditary; Hereditary Cancer Syndrome; Hereditary neoplastic syndrome. Identifiers: Orphanet 140162, MedGen C0027672, MeSH D009386, MONDO:0015356.
Neuroblastoma, susceptibility to, 3. Also called: ALK-Related Neuroblastic Tumor Susceptibility. Identifiers: Orphanet 635, MedGen C2751681, MONDO:0013083, OMIM 613014.

Allele frequency attached by ClinVar (database versions not stated): gnomAD exomes below 0.00001; TOPMed below 0.00001; gnomAD 0.00001.
gnomAD v4.1: 4 of 1,614,070 alleles (0.00025%); highest among the groups gnomAD compares: African/African-American, 0.0013%; no homozygotes.

Submissions (3):

Labcorp Genetics (formerly Invitae), Labcorp
Classification: Likely benign for Neuroblastoma, susceptibility to, 3. Last evaluated: 2025-11-10. Review status: criteria provided, single submitter. Criteria: Invitae Variant Classification Sherloc (09022015). Collection method: clinical testing. Allele origin: germline.

GeneDx
Classification: Uncertain significance. Last evaluated: 2024-01-19. Review status: criteria provided, single submitter. Criteria: GeneDx Variant Classification Process June 2021. Collection method: clinical testing. Allele origin: germline. Affected: yes.
Comment: Not observed at significant frequency in large population cohorts (gnomAD); In silico analysis supports that this variant does not alter splicing; Has not been previously published as pathogenic or benign to our knowledge

Ambry Genetics
Classification: Likely benign for Hereditary cancer-predisposing syndrome. Last evaluated: 2023-05-27. Review status: criteria provided, single submitter. Criteria: Ambry Variant Classification Scheme 2023. Collection method: clinical testing. Allele origin: germline.

NM_004304.5(ALK):c.4746C>T (p.Val1582=)

Gene: ALK (ALK receptor tyrosine kinase; minus strand). Cytogenetic location: 2p23.2.
Variant type: single nucleotide variant.
Coding change: c.4746C>T on transcript NM_004304.5 (MANE Select); coding-DNA position 4746, C replaced by T.
Protein change: p.Val1582=; no amino-acid change (valine 1582 retained).
Molecular consequence: synonymous variant.
Genome position (GRCh38, 1-based): chr2:29,193,341, G>A on the plus strand (C>T on the coding strand, the complement: ALK is on the minus strand). VCF-style: chr2-29193341-G-A. GRCh37 (hg19) VCF-style: chr2-29416207-G-A.
Other names: c.4746C>T (NM_004304.4); c.1542C>T, p.Val514= (NM_001353765.2).
Identifiers: ClinVar variation 1089721 (VCV001089721.11), dbSNP rs1237752481, ClinGen allele CA425619109.